The following is an entry in ClinVar:

NM_005276.4(GPD1):c.612G>A (p.Lys204=)

Gene: GPD1 (glycerol-3-phosphate dehydrogenase 1; plus strand). Cytogenetic location: 12q13.12.
Variant type: single nucleotide variant.
Coding change: c.612G>A on transcript NM_005276.4 (MANE Select); coding-DNA position 612, G replaced by A.
Protein change: p.Lys204=; no amino-acid change (lysine 204 retained).
Molecular consequence: synonymous variant.
Genome position (GRCh38, 1-based): chr12:50,106,917, G>A. VCF-style: chr12-50106917-G-A. GRCh37 (hg19) VCF-style: chr12-50500700-G-A.
Other names: c.543G>A, p.Lys181= (NM_001257199.2).
Identifiers: ClinVar variation 1254491 (VCV001254491.13), dbSNP rs35256655, ClinGen allele CA6561649.

ClinVar aggregate classification (germline): Conflicting classifications of pathogenicity. Review status: criteria provided, conflicting classifications (1 of 4 stars). 3 submissions from 3 submitters: Uncertain significance (1); Likely benign (2). Last evaluated 2026-01-27.

Allele frequency attached by ClinVar (database versions not stated): 1000 Genomes Project 30x 0.00094; 1000 Genomes Project 0.00100; ESP Exome Variant Server 0.00138; gnomAD exomes 0.00147; gnomAD 0.00158 and 0.00166; ExAC 0.00165; TOPMed 0.00166.

Submissions (14):

Labcorp Genetics (formerly Invitae), Labcorp
Classification: Likely benign. Last evaluated: 2026-01-27. Review status: criteria provided, single submitter. Criteria: Invitae Variant Classification Sherloc (09022015). Collection method: clinical testing. Allele origin: germline.

Blueprint Genetics
Classification: Likely benign. Last evaluated: 2024-11-04. Review status: criteria provided, single submitter. Criteria: ACMG Guidelines, 2015. Collection method: clinical testing. Allele origin: germline.

GeneDx
Classification: Uncertain significance. Last evaluated: 2024-08-13. Review status: criteria provided, single submitter. Criteria: GeneDx Variant Classification Process June 2021. Collection method: clinical testing. Allele origin: germline. Affected: yes.
Comment: Identified in patients with dyslipidemia in published literature (PMID: 36325899, 32041611); In silico analysis is inconclusive as to whether the variant alters gene splicing. In the absence of RNA/functional studies, the actual effect of this sequence change is unknown.; This variant is associated with the following publications: (PMID: 32041611, 36325899)

Dr. Peter K. Rogan Lab, Western University
No classification provided (evidence only). Condition: Malignant tumor of urinary bladder. Review status: no classification provided. Collection method: in vitro. Allele origin: not applicable. Functional consequence: retained intron. Not counted in ClinVar's aggregate classification.

Dr. Peter K. Rogan Lab, Western University
No classification provided (evidence only). Condition: Malignant tumor of urinary bladder. Review status: no classification provided. Collection method: in vitro. Allele origin: not applicable. Functional consequence: retained intron. Not counted in ClinVar's aggregate classification.

Dr. Peter K. Rogan Lab, Western University
No classification provided (evidence only). Condition: Malignant tumor of urinary bladder. Review status: no classification provided. Collection method: in vitro. Allele origin: not applicable. Functional consequence: retained intron. Not counted in ClinVar's aggregate classification.

Dr. Peter K. Rogan Lab, Western University
No classification provided (evidence only). Condition: Clear cell carcinoma of kidney. Review status: no classification provided. Collection method: in vitro. Allele origin: not applicable. Functional consequence: retained intron. Not counted in ClinVar's aggregate classification.

Dr. Peter K. Rogan Lab, Western University
No classification provided (evidence only). Condition: Clear cell carcinoma of kidney. Review status: no classification provided. Collection method: in vitro. Allele origin: not applicable. Functional consequence: retained intron. Not counted in ClinVar's aggregate classification.

Dr. Peter K. Rogan Lab, Western University
No classification provided (evidence only). Condition: Lung cancer. Review status: no classification provided. Collection method: in vitro. Allele origin: not applicable. Functional consequence: retained intron. Not counted in ClinVar's aggregate classification.

Dr. Peter K. Rogan Lab, Western University
No classification provided (evidence only). Condition: Melanoma. Review status: no classification provided. Collection method: in vitro. Allele origin: not applicable. Functional consequence: retained intron. Not counted in ClinVar's aggregate classification.

Dr. Peter K. Rogan Lab, Western University
No classification provided (evidence only). Condition: Melanoma. Review status: no classification provided. Collection method: in vitro. Allele origin: not applicable. Functional consequence: retained intron. Not counted in ClinVar's aggregate classification.

Dr. Peter K. Rogan Lab, Western University
No classification provided (evidence only). Condition: Thyroid cancer, nonmedullary, 1. Review status: no classification provided. Collection method: in vitro. Allele origin: not applicable. Functional consequence: retained intron. Not counted in ClinVar's aggregate classification.

Dr. Peter K. Rogan Lab, Western University
No classification provided (evidence only). Condition: Nonpapillary renal cell carcinoma. Review status: no classification provided. Collection method: in vitro. Allele origin: not applicable. Functional consequence: retained intron. Not counted in ClinVar's aggregate classification.

Dr. Peter K. Rogan Lab, Western University
No classification provided (evidence only). Condition: Gastric cancer. Review status: no classification provided. Collection method: in vitro. Allele origin: not applicable. Functional consequence: retained intron. Not counted in ClinVar's aggregate classification.